The following is an entry in ClinVar:

NM_004393.6(DAG1):c.473C>T (p.Pro158Leu)

Gene: DAG1 (dystroglycan 1; plus strand). Cytogenetic location: 3p21.31.
Variant type: single nucleotide variant.
Coding change: c.473C>T on transcript NM_004393.6 (MANE Select); coding-DNA position 473, C replaced by T.
Protein change: p.Pro158Leu; replaces proline 158 with leucine.
Molecular consequence: missense variant.
Genome position (GRCh38, 1-based): chr3:49,530,984, C>T. VCF-style: chr3-49530984-C-T. GRCh37 (hg19) VCF-style: chr3-49568417-C-T.
Other names: c.473C>T, p.Pro158Leu (NM_001165928.4, NM_001177634.3, NM_001177635.3 and 9 more transcripts); short protein forms P158L.
Identifiers: ClinVar variation 499005 (VCV000499005.8), dbSNP rs368359780, ClinGen allele CA2398913.

ClinVar aggregate classification (germline): Uncertain significance. Review status: criteria provided, multiple submitters, no conflicts (2 of 4 stars). 2 submissions from 2 submitters: Uncertain significance (2). Last evaluated 2022-02-11.

Conditions:
Autosomal recessive limb-girdle muscular dystrophy type 2P. Also called: MUSCULAR DYSTROPHY-DYSTROGLYCANOPATHY, LIMB-GIRDLE, DAG1-RELATED; Limb-Girdle Muscular Dystrophy Type 9C; MUSCULAR DYSTROPHY, LIMB-GIRDLE, TYPE 2P. Identifiers: Orphanet 280333, MedGen C4511963, MONDO:0013440, OMIM 613818.
Muscular dystrophy-dystroglycanopathy (congenital with brain and eye anomalies), type A9. Also called: Muscular dystrophy-dystroglycanopathy (congenital with brain and eye anomalies), type a, 9; WALKER-WARBURG SYNDROME OR MUSCLE-EYE BRAIN DISEASE, DAG1-RELATED. Identifiers: Orphanet 370997, Orphanet 899, MedGen C4225291, MONDO:0014683, OMIM 616538.

Submissions (2):

Labcorp Genetics (formerly Invitae), Labcorp
Classification: Uncertain significance for Autosomal recessive limb-girdle muscular dystrophy type 2P; Muscular dystrophy-dystroglycanopathy (congenital with brain and eye anomalies), type A9. Last evaluated: 2022-02-11. Review status: criteria provided, single submitter. Criteria: Invitae Variant Classification Sherloc (09022015). Collection method: clinical testing. Allele origin: germline.
Comment: This sequence change replaces proline, which is neutral and non-polar, with leucine, which is neutral and non-polar, at codon 158 of the DAG1 protein (p.Pro158Leu). This variant is present in population databases (rs368359780, gnomAD 0.003%). This variant has not been reported in the literature in individuals affected with DAG1-related conditions. ClinVar contains an entry for this variant (Variation ID: 499005). Algorithms developed to predict the effect of missense changes on protein structure and function are either unavailable or do not agree on the potential impact of this missense change (SIFT: "Deleterious"; PolyPhen-2: "Possibly Damaging"; Align-GVGD: "Class C0"). In summary, the available evidence is currently insufficient to determine the role of this variant in disease. Therefore, it has been classified as a Variant of Uncertain Significance.

Eurofins Ntd Llc (ga)
Classification: Uncertain significance. Last evaluated: 2016-12-22. Review status: criteria provided, single submitter. Criteria: EGL Classification Definitions 2015. Collection method: clinical testing. Allele origin: germline. Observed: 1 variant allele, 1 heterozygote.